The following is an entry in ClinVar:

ClinVar aggregate classification (germline): Uncertain significance (1 of 4 stars; one submission).

Conditions:
Hermansky-Pudlak syndrome 2 (HPS2). Also called: Platelet defects and oculocutaneous albinism. Identifiers: Orphanet 183678, Orphanet 79430, MedGen C1842362, MONDO:0011997, OMIM 608233.

Allele frequency attached by ClinVar (database versions not stated): gnomAD 0.00001.

Submission:

Labcorp Genetics (formerly Invitae), Labcorp
Classification: Uncertain significance for Hermansky-Pudlak syndrome 2. Last evaluated: 2022-05-03. Review status: criteria provided, single submitter. Criteria: Invitae Variant Classification Sherloc (09022015). Collection method: clinical testing. Allele origin: germline.
Comment: This sequence change replaces lysine, which is basic and polar, with arginine, which is basic and polar, at codon 414 of the AP3B1 protein (p.Lys414Arg). This variant is present in population databases (rs778910104, gnomAD 0.01%). This variant has not been reported in the literature in individuals affected with AP3B1-related conditions. Algorithms developed to predict the effect of missense changes on protein structure and function output the following: SIFT: "Tolerated"; PolyPhen-2: "Benign"; Align-GVGD: "Class C0". The arginine amino acid residue is found in multiple mammalian species, which suggests that this missense change does not adversely affect protein function. In summary, the available evidence is currently insufficient to determine the role of this variant in disease. Therefore, it has been classified as a Variant of Uncertain Significance.

NM_003664.5(AP3B1):c.1241A>G (p.Lys414Arg)

Gene: AP3B1 (adaptor related protein complex 3 subunit beta 1; minus strand). Cytogenetic location: 5q14.1.
Variant type: single nucleotide variant.
Coding change: c.1241A>G on transcript NM_003664.5 (MANE Select); coding-DNA position 1241, A replaced by G.
Protein change: p.Lys414Arg; replaces lysine 414 with arginine.
Molecular consequence: missense variant.
Genome position (GRCh38, 1-based): chr5:78,162,941, T>C on the plus strand (A>G on the coding strand, the complement: AP3B1 is on the minus strand). VCF-style: chr5-78162941-T-C. GRCh37 (hg19) VCF-style: chr5-77458765-T-C.
Other names: c.1094A>G, p.Lys365Arg (NM_001271769.2); short protein forms K414R, K365R.
Identifiers: ClinVar variation 1426049 (VCV001426049.3), dbSNP rs778910104, ClinGen allele CA3317111.
Genomic context (GRCh38, chr5:78,162,941, plus strand): 5'-TTGGTTGCACATCTGCCTATAGTCTGAATAGTGGCTGCTGCAAATTGTTTATCCTGGCTT[T>C]TCACATAGGTCTAAAAGATATTATTTCAATTAGTTTACACACTGGTATTATTGAGTTAAC-3'
Protein context (NP_003655.3, residues 404-424): TLLREFQTYV[Lys414Arg]SQDKQFAAAT